The following is an entry in ClinVar:

NM_201596.3(CACNB2):c.879C>T (p.Gly293=)

Gene: CACNB2 (calcium voltage-gated channel auxiliary subunit beta 2; plus strand). Cytogenetic location: 10p12.31.
Variant type: single nucleotide variant.
Coding change: c.879C>T on transcript NM_201596.3 (MANE Select); coding-DNA position 879, C replaced by T.
Protein change: p.Gly293=; no amino-acid change (glycine 293 retained).
Molecular consequence: synonymous variant.
Genome position (GRCh38, 1-based): chr10:18,518,410, C>T. VCF-style: chr10-18518410-C-T. GRCh37 (hg19) VCF-style: chr10-18807339-C-T.
Other names: c.714C>T, p.Gly238= (NM_000724.4); c.681C>T, p.Gly227= (NM_001167945.2); c.600C>T, p.Gly200= (NM_001330060.2); c.621C>T, p.Gly207= (NM_001410882.1); c.735C>T, p.Gly245= (NM_201570.3); c.795C>T, p.Gly265= (NM_201571.4); c.723C>T, p.Gly241= (NM_201572.4); c.717C>T, p.Gly239= (NM_201590.3); and 2 more.
Identifiers: ClinVar variation 1757510 (VCV001757510.8), dbSNP rs1007456025, ClinGen allele CA203230617.

ClinVar aggregate classification (germline): Likely benign. Review status: criteria provided, multiple submitters, no conflicts (2 of 4 stars). 3 submissions from 3 submitters: Likely benign (3). Last evaluated 2025-09-22.

Conditions:
CACNB2-related disorder. Also called: CACNB2-related condition.
Cardiovascular phenotype. Identifiers: MedGen CN230736.
Brugada syndrome 4 (BRGDA4). Identifiers: Orphanet 130, MedGen C2678477, MONDO:0012743, OMIM 611876.

Allele frequency attached by ClinVar (database versions not stated): gnomAD exomes below 0.00001; gnomAD 0.00001; TOPMed 0.00003.
gnomAD v4.1: 6 of 1,605,878 alleles (0.00037%); highest among the groups gnomAD compares: African/African-American, 0.0067%; no homozygotes.

Submissions (3):

PreventionGenetics, part of Exact Sciences
Classification: Likely benign for CACNB2-related condition. Last evaluated: 2025-09-22. Review status: criteria provided, single submitter. Criteria: ACMG Guidelines, 2015. Collection method: clinical testing. Allele origin: germline.
Comment: This variant is classified as likely benign based on ACMG/AMP sequence variant interpretation guidelines (Richards et al. 2015 PMID: 25741868, with internal and published modifications).

Labcorp Genetics (formerly Invitae), Labcorp
Classification: Likely benign for Brugada syndrome 4. Last evaluated: 2024-12-23. Review status: criteria provided, single submitter. Criteria: Invitae Variant Classification Sherloc (09022015). Collection method: clinical testing. Allele origin: germline.

Ambry Genetics
Classification: Likely benign for Cardiovascular phenotype. Last evaluated: 2020-01-19. Review status: criteria provided, single submitter. Criteria: Ambry Variant Classification Scheme 2023. Collection method: clinical testing. Allele origin: germline.